The following is an entry in ClinVar:

ClinVar aggregate classification (germline): Uncertain significance (1 of 4 stars; one submission).

Conditions:
Deafness-lymphedema-leukemia syndrome. Also called: Lymphedema, primary, with myelodysplasia; Emberger syndrome. Identifiers: Orphanet 3226, MedGen C3279664, MONDO:0013540, OMIM 614038.
Monocytopenia with susceptibility to infections. Also called: MONOCYTOPENIA AND MYCOBACTERIAL INFECTION SYNDROME; MONOCYTOPENIA WITH SUSCEPTIBILITY TO MYCOBACTERIAL, FUNGAL, AND PAPILLOMAVIRUS INFECTIONS AND MYELODYSPLASIA; COMBINED IMMUNODEFICIENCY WITH SUSCEPTIBILITY TO MYCOBACTERIAL, VIRAL, AND FUNGAL INFECTIONS; Dendritic cell, monocyte, B lymphocyte, and natural killer lymphocyte deficiency; IMMUNODEFICIENCY 21; GATA2 DEFICIENCY. Identifiers: Orphanet 228423, MedGen C3280030, MONDO:0013607, OMIM 614172.

Submission:

Labcorp Genetics (formerly Invitae), Labcorp
Classification: Uncertain significance for Monocytopenia with susceptibility to infections; Deafness-lymphedema-leukemia syndrome. Last evaluated: 2022-10-05. Review status: criteria provided, single submitter. Criteria: Invitae Variant Classification Sherloc (09022015). Collection method: clinical testing. Allele origin: germline.
Comment: This variant is not present in population databases (gnomAD no frequency). This sequence change replaces glycine, which is neutral and non-polar, with valine, which is neutral and non-polar, at codon 82 of the GATA2 protein (p.Gly82Val). This variant has not been reported in the literature in individuals affected with GATA2-related conditions. In summary, the available evidence is currently insufficient to determine the role of this variant in disease. Therefore, it has been classified as a Variant of Uncertain Significance. Advanced modeling of protein sequence and biophysical properties (such as structural, functional, and spatial information, amino acid conservation, physicochemical variation, residue mobility, and thermodynamic stability) performed at Invitae indicates that this missense variant is not expected to disrupt GATA2 protein function.

NM_032638.5(GATA2):c.245G>T (p.Gly82Val)

Gene: GATA2 (GATA binding protein 2; minus strand). Cytogenetic location: 3q21.3.
Variant type: single nucleotide variant.
Coding change: c.245G>T on transcript NM_032638.5 (MANE Select); coding-DNA position 245, G replaced by T.
Protein change: p.Gly82Val; replaces glycine 82 with valine.
Molecular consequence: missense variant.
Genome position (GRCh38, 1-based): chr3:128,486,353, C>A on the plus strand (G>T on the coding strand, the complement: GATA2 is on the minus strand). VCF-style: chr3-128486353-C-A. GRCh37 (hg19) VCF-style: chr3-128205196-C-A.
Other names: c.245G>T, p.Gly82Val (NM_001145661.2, NM_001145662.1); short protein forms G82V.
Identifiers: ClinVar variation 1957765 (VCV001957765.5), dbSNP rs2068699758, ClinGen allele CA354407883.